The following is an entry in ClinVar:

ClinVar aggregate classification (germline): Conflicting classifications of pathogenicity. Review status: criteria provided, conflicting classifications (1 of 4 stars). 4 submissions from 4 submitters: Likely pathogenic (1); Uncertain significance (2). 1 of the submissions does not count toward it. Last evaluated 2024-09-13.

Conditions:
Muscular dystrophy-dystroglycanopathy (congenital with brain and eye anomalies), type A, 4 (MDDGA4). Also called: Walker-Warburg Syndrome, Fktn-Related; Muscular dystrophy, congenital progressive, with mental retardation; Muscular dystrophy, congenital, with central nervous system involvement; Cerebromuscular dystrophy, Fukuyama type; Congenital muscular dystrophy-dystroglycanopathy with brain and eye anomalies, type A4; WALKER-WARBURG SYNDROME OR MUSCLE-EYE-BRAIN DISEASE, FKTN-RELATED. Identifiers: Orphanet 272, Orphanet 588, Orphanet 899, MedGen C0410174, MONDO:0009678, OMIM 253800.
Cardiovascular phenotype. Identifiers: MedGen CN230736.
Dilated cardiomyopathy 1X (CMD1X). Also called: FKTN-Related Dilated Cardiomyopathy; CARDIOMYOPATHY, DILATED, WITH MILD OR NO PROXIMAL MUSCLE WEAKNESS. Identifiers: Orphanet 154, MedGen C1969024, MONDO:0012704, OMIM 611615.
Autosomal recessive limb-girdle muscular dystrophy type 2M. Also called: MUSCULAR DYSTROPHY-DYSTROGLYCANOPATHY (LIMB-GIRDLE), TYPE C, 4; MUSCULAR DYSTROPHY, LIMB-GIRDLE, TYPE 2M. Identifiers: Orphanet 206554, MedGen C1969040, MONDO:0012699, OMIM 611588.
Muscular dystrophy-dystroglycanopathy (congenital without impaired intellectual development), type B, 4. Also called: Muscular dystrophy-dystroglycanopathy (congenital without intellectual disability), type B4; MUSCULAR DYSTROPHY, CONGENITAL, FKTN-RELATED. Identifiers: MedGen C2751052, MONDO:0013156, OMIM 613152.

Submissions (4):

Ambry Genetics
Classification: Uncertain significance for Cardiovascular phenotype. Last evaluated: 2024-09-13. Review status: criteria provided, single submitter. Criteria: Ambry Variant Classification Scheme 2023. Collection method: clinical testing. Allele origin: germline.
Comment: The p.H186R variant (also known as c.557A>G), located in coding exon 4 of the FKTN gene, results from an A to G substitution at nucleotide position 557. The histidine at codon 186 is replaced by arginine, an amino acid with highly similar properties. This alteration has been reported as homozygous in an individual with Walker-Warburg syndrome (Manzini MC et al. Hum Mutat, 2008 Nov;29:E231-41). In multiple assays testing FKTN function, this variant showed functionally abnormal and functionally normal results (Tachikawa M et al. J Biol Chem, 2012 Mar;287:8398-406). This amino acid position is highly conserved in available vertebrate species. In addition, this alteration is predicted to be deleterious by in silico analysis. Based on the available evidence, the clinical significance of this variant remains unclear.

Fulgent Genetics
Classification: Likely pathogenic for Muscular dystrophy-dystroglycanopathy (congenital with brain and eye anomalies), type A, 4; Autosomal recessive limb-girdle muscular dystrophy type 2M; Dilated cardiomyopathy 1X; Muscular dystrophy-dystroglycanopathy (congenital without impaired intellectual development), type B, 4. Last evaluated: 2024-06-24. Review status: criteria provided, single submitter. Criteria: ACMG Guidelines, 2015. Collection method: clinical testing. Allele origin: germline.

Women's Health and Genetics/Laboratory Corporation of America, LabCorp
Classification: Uncertain significance. Last evaluated: 2024-06-14. Review status: criteria provided, single submitter. Criteria: LabCorp Variant Classification Summary - May 2015. Collection method: clinical testing. Allele origin: germline.
Comment: Variant summary: FKTN c.557A>G (p.His186Arg) results in a non-conservative amino acid change located in the Ribitol-5-phosphate transferase FKTN, N-terminal domain (IPR045587) of the encoded protein sequence. Five of five in-silico tools predict a damaging effect of the variant on protein function. The variant was absent in 251212 control chromosomes. c.557A>G has been reported in the literature in the homozygous state in an individual affected with classic Walker-Warburg Syndrome (Manzini_2008). These data indicate that the variant may be associated with disease. At least one functional study found that the variant protein was retained in the ER as opposed to localizing to the golgi, but that it also retained the activity responsible for -DG glycosylation similar to that of the WT protein (Tachikawa_2012). The following publications have been ascertained in the context of this evaluation (PMID: 18752264, 22275357). ClinVar contains an entry for this variant (Variation ID: 554414). Based on the evidence outlined above, the variant was classified as VUS-possibly pathogenic.

Counsyl
Classification: Uncertain significance for Muscular dystrophy-dystroglycanopathy (congenital with brain and eye anomalies), type A, 4. Last evaluated: 2017-10-17. Review status: no assertion criteria provided. Collection method: clinical testing. Allele origin: unknown. Not counted in ClinVar's aggregate classification.

Literature cited by the submitters: PubMed 18752264 (cited by 3 submitters); PubMed 22275357 (cited by 3 submitters).

NM_001079802.2(FKTN):c.557A>G (p.His186Arg)

Gene: FKTN (fukutin; plus strand). Cytogenetic location: 9q31.2.
Variant type: single nucleotide variant.
Coding change: c.557A>G on transcript NM_001079802.2 (MANE Select); coding-DNA position 557, A replaced by G.
Protein change: p.His186Arg; replaces histidine 186 with arginine.
Molecular consequence: missense variant. On other transcripts: non-coding transcript variant (2).
Genome position (GRCh38, 1-based): chr9:105,604,402, A>G. VCF-style: chr9-105604402-A-G. GRCh37 (hg19) VCF-style: chr9-108366683-A-G.
Other names: c.557A>G, p.His186Arg (NM_001198963.2, NM_001351496.2, NM_001351498.2 and 1 more transcripts); c.488A>G, p.His163Arg (NM_001351497.2); c.161A>G, p.His54Arg (NM_001351499.2, NM_001351500.2, NM_001351501.2 and 1 more transcripts); short protein forms H186R, H54R, H163R.
Identifiers: ClinVar variation 554414 (VCV000554414.7), dbSNP rs1448279636, ClinGen allele CA374332250.